The following is an entry in ClinVar:

NM_201384.3(PLEC):c.3478G>T (p.Gly1160Trp)

Gene: PLEC (plectin; minus strand). Cytogenetic location: 8q24.3.
Variant type: single nucleotide variant.
Coding change: c.3478G>T on transcript NM_201384.3 (MANE Select); coding-DNA position 3478, G replaced by T.
Protein change: p.Gly1160Trp; replaces glycine 1160 with tryptophan.
Molecular consequence: missense variant.
Genome position (GRCh38, 1-based): chr8:143,927,688, C>A on the plus strand (G>T on the coding strand, the complement: PLEC is on the minus strand). VCF-style: chr8-143927688-C-A. GRCh37 (hg19) VCF-style: chr8-145001856-C-A.
Other names: c.3559G>T, p.Gly1187Trp (NM_000445.5); c.3436G>T, p.Gly1146Trp (NM_201378.4); c.3412G>T, p.Gly1138Trp (NM_201379.3); c.3889G>T, p.Gly1297Trp (NM_201380.4); c.3382G>T, p.Gly1128Trp (NM_201381.3); c.3478G>T, p.Gly1160Trp (NM_201382.4); c.3490G>T, p.Gly1164Trp (NM_201383.3); short protein forms G1128W, G1160W, G1138W, G1164W, G1146W, G1187W, G1297W.
Identifiers: ClinVar variation 1486775 (VCV001486775.8), dbSNP rs2131613052, ClinGen allele CA372565950.
Genomic context (GRCh38, chr8:143,927,688, plus strand): 5'-GCTCCCGCCAGCGCTCCACCTCCACGTCCCGCTCCCCGTGCCGCTGCTGCAGTCGCTCCC[C>A]CACCTCCTGTGCCCCCCGCAGCTCATCCCGCAGGGCGTCGAACGTGGGCTGCTGTGCCTC-3'
Protein context (NP_958786.1, residues 1150-1170): RDELRGAQEV[Gly1160Trp]ERLQQRHGER

ClinVar aggregate classification (germline): Uncertain significance (1 of 4 stars; one submission).

Conditions:
Epidermolysis bullosa simplex 5B, with muscular dystrophy (EBS5B). Also called: EPIDERMOLYSIS BULLOSA SIMPLEX AND LIMB-GIRDLE MUSCULAR DYSTROPHY; Epidermolysis bullosa simplex with muscular dystrophy. Identifiers: Orphanet 257, MedGen C2931072, MONDO:0009181, OMIM 226670.
Epidermolysis bullosa simplex 5C, with pyloric atresia (EBS5C). Also called: PLEC1-Related Epidermolysis Bullosa with Pyloric Atresia; PLEC-Related Epidermolysis Bullosa with Pyloric Atresia; Epidermolysis bullosa simplex with pyloric atresia. Identifiers: Orphanet 158684, MedGen C2677349, MONDO:0012807, OMIM 612138.
Epidermolysis bullosa simplex, Ogna type (EBS5A). Also called: Pidermolysis bullosa simplex 5A, Ogna type; EPIDERMOLYSIS BULLOSA SIMPLEX 5A, OGNA TYPE. Identifiers: Orphanet 79401, MedGen C0432317, MONDO:0007555, OMIM 131950.
Autosomal recessive limb-girdle muscular dystrophy type 2Q (LGMDR17). Also called: MUSCULAR DYSTROPHY, LIMB-GIRDLE, AUTOSOMAL RECESSIVE 17. Identifiers: Orphanet 254361, MedGen C3150989, MONDO:0013390, OMIM 613723.
Epidermolysis bullosa simplex with nail dystrophy (EBS5D). Identifiers: MedGen C4225309, MONDO:0014661, OMIM 616487.

Allele frequency attached by ClinVar (database versions not stated): gnomAD exomes below 0.00001.
gnomAD v4.1: 1 of 1,583,074 alleles (0.000063%); highest among the groups gnomAD compares: Non-Finnish European, 0.000086%; no homozygotes.

Submission:

Labcorp Genetics (formerly Invitae), Labcorp
Classification: Uncertain significance for Autosomal recessive limb-girdle muscular dystrophy type 2Q; Epidermolysis bullosa simplex, Ogna type; Epidermolysis bullosa simplex with nail dystrophy; Epidermolysis bullosa simplex 5C, with pyloric atresia; Epidermolysis bullosa simplex 5B, with muscular dystrophy. Last evaluated: 2022-06-27. Review status: criteria provided, single submitter. Criteria: Invitae Variant Classification Sherloc (09022015). Collection method: clinical testing. Allele origin: germline.
Comment: In summary, the available evidence is currently insufficient to determine the role of this variant in disease. Therefore, it has been classified as a Variant of Uncertain Significance. Algorithms developed to predict the effect of missense changes on protein structure and function are either unavailable or do not agree on the potential impact of this missense change (SIFT: "Deleterious"; PolyPhen-2: "Not Available"; Align-GVGD: "Class C25"). This variant has not been reported in the literature in individuals affected with PLEC-related conditions. This variant is not present in population databases (gnomAD no frequency). This sequence change replaces glycine, which is neutral and non-polar, with tryptophan, which is neutral and slightly polar, at codon 1187 of the PLEC protein (p.Gly1187Trp).